The following is an entry in ClinVar:

NM_000014.6(A2M):c.2439G>A (p.Thr813=)

Genes: A2M (alpha-2-macroglobulin; minus strand), KLRG1 (killer cell lectin like receptor G1; plus strand). Cytogenetic location: 12p13.31.
Variant type: single nucleotide variant.
Coding change: c.2439G>A on transcript NM_000014.6 (MANE Select); coding-DNA position 2439, G replaced by A.
Protein change: p.Thr813=; no amino-acid change (threonine 813 retained).
Molecular consequence: synonymous variant.
Genome position (GRCh38, 1-based): chr12:9,091,231, C>T on the plus strand (G>A on the coding strand, the complement: A2M is on the minus strand). VCF-style: chr12-9091231-C-T. GRCh37 (hg19) VCF-style: chr12-9243827-C-T.
Other names: c.2439G>A, p.Thr813= (NM_001347423.2); c.2139G>A, p.Thr713= (NM_001347424.2); c.1989G>A, p.Thr663= (NM_001347425.2).
Identifiers: ClinVar variation 3041113 (VCV003041113.2), dbSNP rs375292452, ClinGen allele CA6438392.

ClinVar aggregate classification (germline): Likely benign (0 of 4 stars; one submission).

Conditions:
A2M-related disorder. Also called: A2M-related condition.

Allele frequency attached by ClinVar (database versions not stated): 1000 Genomes Project 30x 0.00016; gnomAD 0.00019; 1000 Genomes Project 0.00020; TOPMed 0.00020; ESP Exome Variant Server 0.00031.
gnomAD v4.1: 44 of 1,614,100 alleles (0.0027%); highest among the groups gnomAD compares: African/African-American, 0.055%; no homozygotes.

Submission:

PreventionGenetics, part of Exact Sciences
Classification: Likely benign for A2M-related condition. Last evaluated: 2019-04-27. Review status: no assertion criteria provided. Collection method: clinical testing. Allele origin: germline.
Comment: This variant is classified as likely benign based on ACMG/AMP sequence variant interpretation guidelines (Richards et al. 2015 PMID: 25741868, with internal and published modifications).